The following is an entry in ClinVar:

NM_000051.4(ATM):c.6200C>A (p.Ala2067Asp)

Genes: ATM (ATM serine/threonine kinase; plus strand), C11orf65 (chromosome 11 open reading frame 65; minus strand). Cytogenetic location: 11q22.3.
Variant type: single nucleotide variant.
Coding change: c.6200C>A on transcript NM_000051.4 (MANE Select); coding-DNA position 6200, C replaced by A.
Protein change: p.Ala2067Asp; replaces alanine 2067 with aspartic acid.
Molecular consequence: missense variant. On other transcripts: intron variant (2).
Genome position (GRCh38, 1-based): chr11:108,317,374, C>A. VCF-style: chr11-108317374-C-A. GRCh37 (hg19) VCF-style: chr11-108188101-C-A.
Other names: c.6200C>A, p.Ala2067Asp (NM_001351834.2); c.641-8303G>T (NM_001330368.2); c.*39-8303G>T (NM_001351110.2); short protein forms A2067D.
Identifiers: ClinVar variation 39749 (VCV000039749.114), dbSNP rs397514577, ClinGen allele CA130514.
Genomic context (GRCh38, chr11:108,317,374, plus strand): 5'-CTGGTTTTCTGTTGATATCTTTGATTACTTAACTTAAAAACAAAATAACTCCTGTTTAGG[C>A]CTTGCAGAATTTGGGACTCTGCCATATTCTTTCCGTCTATTTAAAAGGATTGGATTATGA-3'
Protein context (NP_000042.3, residues 2057-2077): SSTRQAGIIQ[Ala2067Asp]LQNLGLCHIL

ClinVar aggregate classification (germline): Pathogenic/Likely pathogenic. Review status: criteria provided, multiple submitters, no conflicts (2 of 4 stars). 21 submissions from 21 submitters: Pathogenic (13); Likely pathogenic (4). 4 of the submissions do not count toward it. Last evaluated 2026-03-19.

Conditions:
ATM-related disorder. Also called: ATM-related disorders; ATM-related condition.
Breast and/or ovarian cancer. Identifiers: MedGen CN221562.
Hereditary cancer-predisposing syndrome. Also called: Neoplastic Syndromes, Hereditary; Tumor predisposition; Hereditary Cancer Syndrome; Hereditary neoplastic syndrome. Identifiers: Orphanet 140162, MedGen C0027672, MeSH D009386, MONDO:0015356.
Ataxia-telangiectasia syndrome (AT). Also called: Ataxia-telangiectasia, complementation group E; LOUIS-BAR SYNDROME; AT, COMPLEMENTATION GROUP C; Cerebello-oculocutaneous telangiectasia; Immunodeficiency with ataxia telangiectasia; ATAXIA-TELANGIECTASIA, COMPLEMENTATION GROUP A. Identifiers: Orphanet 100, MedGen C0004135, MONDO:0008840, OMIM 208900.
Familial cancer of breast. Also called: Hereditary breast cancer; BREAST CANCER, FAMILIAL; hereditary breast carcinoma. Identifiers: Orphanet 227535, MedGen C0346153, MONDO:0016419, OMIM 114480. Disease mechanism: loss of function.
Hereditary breast ovarian cancer syndrome. Also called: Hereditary breast and ovarian cancer; Hereditary breast and ovarian cancer syndrome; Hereditary breast and ovarian cancer syndrome (HBOC); Hereditary breast and/or ovarian cancer syndrome; Breast and ovarian cancer; BRCA1- and BRCA2-Associated Hereditary Breast and Ovarian Cancer. Identifiers: Orphanet 145, MedGen C0677776, MeSH D061325, MONDO:0003582. Disease mechanism: loss of function.
Ataxia - telangiectasia variant. Identifiers: Orphanet 370109, MedGen C1876175, MONDO:0018266.
Malignant tumor of breast. Also called: Malignant breast neoplasm; Cancer breast. Identifiers: MedGen C0006142, MONDO:0007254. Disease mechanism: loss of function.

Allele frequency attached by ClinVar (database versions not stated): gnomAD exomes below 0.00001.
gnomAD v4.1: 5 of 1,610,556 alleles (0.00031%); highest among the groups gnomAD compares: Non-Finnish European, 0.00034%; no homozygotes.

Submissions 1 to 9 of 21:

Institute of Human Genetics, Heidelberg University
Classification: Pathogenic for Familial cancer of breast. Last evaluated: 2026-03-19. Review status: criteria provided, single submitter. Criteria: ACMG Guidelines, 2015. Collection method: clinical testing. Allele origin: maternal. Observed: 2 variant alleles.
Comment: PS3_mod, PM2_supp, PM3_vs

CeGaT Center for Human Genetics Tuebingen
Classification: Pathogenic. Last evaluated: 2026-01-01. Review status: criteria provided, single submitter. Criteria: CeGaT Center For Human Genetics Tuebingen Variant Classification Criteria Version 2. Collection method: clinical testing. Allele origin: germline. Affected: yes. Observed: 2 variant alleles.
Comment: ATM: PM3:Strong, PP1:Strong, PM2, PS3:Supporting

Labcorp Genetics (formerly Invitae), Labcorp
Classification: Pathogenic for Ataxia-telangiectasia syndrome. Last evaluated: 2025-12-20. Review status: criteria provided, single submitter. Criteria: Invitae Variant Classification Sherloc (09022015). Collection method: clinical testing. Allele origin: germline.
Comment: This sequence change replaces alanine, which is neutral and non-polar, with aspartic acid, which is acidic and polar, at codon 2067 of the ATM protein (p.Ala2067Asp). This variant is present in population databases (rs397514577, gnomAD 0.0009%). This missense change has been observed in individual(s) with ataxia-telangiectasia (A-T) (PMID: 9887333, 22345219, 25914063; internal data). It has also been observed to segregate with disease in related individuals. ClinVar contains an entry for this variant (Variation ID: 39749). An algorithm developed to predict the effect of missense changes on protein structure and function (PolyPhen-2) suggests that this variant is likely to be disruptive. Experimental studies have shown that this missense change affects ATM function (PMID: 25077176). For these reasons, this variant has been classified as Pathogenic.

Institute of Human Genetics, University of Leipzig Medical Center
Classification: Pathogenic for Familial cancer of breast. Last evaluated: 2025-11-18. Review status: criteria provided, single submitter. Criteria: ACMG Guidelines, 2015. Collection method: clinical testing. Allele origin: maternal. Inheritance: Autosomal dominant inheritance. Affected: yes.
Comment: Criteria applied: PM3_VSTR,PS3_MOD,PM2_SUP

Natera, Inc.
Classification: Pathogenic for Ataxia-telangiectasia. Last evaluated: 2025-03-04. Review status: criteria provided, single submitter. Criteria: Natera Variant Classification Schema (03/2026). Collection method: clinical testing. Allele origin: germline.
Comment: The c.6200C>A variant in ATM is a missense variant predicted to cause substitution of alanine to aspartic acid at amino acid 2067. This variant is rare in the general population with a frequency below the threshold expected for the associated phenotype(s). This variant has been observed in one or more individuals affected with the associated recessive disease, as either homozygous or compound heterozygous with a second variant (PMID: 25077176). Given the available evidence, this variant is classified as Pathogenic.

Blueprint Genetics
Classification: Pathogenic for ATM-related disorders. Last evaluated: 2024-10-17. Review status: criteria provided, single submitter. Criteria: ACMG Guidelines, 2015. Collection method: clinical testing. Allele origin: germline. Affected: yes. Observed: 5 variant alleles.

German Consortium for Hereditary Breast and Ovarian Cancer, University Hospital Cologne
Classification: Pathogenic for Hereditary breast ovarian cancer syndrome. Last evaluated: 2024-10-08. Review status: criteria provided, single submitter. Criteria: ClinGen ATM V1.3.0. Collection method: curation. Allele origin: germline.
Comment: According to the ClinGen ACMG ATM v1.3.0 criteria we chose these criteria: PS3 (medium pathogenic): Nakamura 2014 (PMID: 25077176): cell line with mutated ATM cDNA showed a trace-to-absent transphosphorylation of downstream ATM targets & ATM cDNA which had been mutated for c.6200C>A did not show a detectable amount of ATM protein + Ambry Genetics (Accession: SCV000217431.8): Based on internal structural analysis, this variant is anticipated to result in a significant decrease in structural stability (Ambry internal data). , PM2 (supporting pathogenic): V2: 0,0004%, 1 x gefunden; , PM3 (very strong pathogenic): Found in multiple cases of AT phenotype, confirmed in trans (e.g. PMID: 25077176 --> Of the 10 carriers, 6 were homozygous and 4 were compound heterozygotes with ATM pathogenic truncating variants and segregated in trans).

Color Diagnostics, LLC DBA Color Health
Classification: Pathogenic for Hereditary cancer-predisposing syndrome. Last evaluated: 2024-02-07. Review status: criteria provided, single submitter. Criteria: ACMG Guidelines, 2015. Collection method: clinical testing. Allele origin: germline.
Comment: This missense variant replaces alanine with aspartic acid at codon 2067 of the ATM protein. Computational prediction suggests that this variant may not impact protein structure and function. This variant has been reported in multiple individuals affected with breast cancer (PMID: 20305132, 26898890; Color internal data) and pancreatic cancer (Color internal data). This variant has been reported in the homozygous or compound heterozygous state in individuals affected with typical or mild ataxia telangiectasia (PMID: 9887333, 22345219, 25037873, 25077176, 25914063). Lymphoblastoid cells isolated from homozygous carriers have shown absent to trace levels of ATM protein, reduced ATM kinase activity, and increased sensitivity to radiation, indicating reduced capacity to repair DNA damage (PMID: 22345219, 25077176). This variant has been identified in 1/251316 chromosomes in the general population by the Genome Aggregation Database (gnomAD). Based on the available evidence, this variant is classified as Pathogenic.

Myriad Genetics, Inc.
Classification: Likely pathogenic for Familial cancer of breast. Last evaluated: 2024-01-29. Review status: criteria provided, single submitter. Criteria: Myriad Autosomal Dominant, Autosomal Recessive and X-Linked Classification Criteria (2023). Collection method: clinical testing. Allele origin: unknown.
Comment: This variant is considered likely pathogenic. This variant has been reported in multiple individuals with clinical features of gene-specific disease [PMID: 19650357, 22345219, 25077176]. Functional studies indicate this variant impacts protein function [PMID: 19650357, 25077176].